The following is an entry in ClinVar:

ClinVar aggregate classification (germline): Uncertain significance (1 of 4 stars; one submission).

Submission:

Laboratory for Molecular Medicine, Mass General Brigham Personalized Medicine
Classification: Uncertain significance. Last evaluated: 2014-10-03. Review status: criteria provided, single submitter. Criteria: LMM Criteria. Collection method: clinical testing. Allele origin: germline. Observed: 1 variant allele.
Comment: proposed classification - variant undergoing re-assessment, contact laboratory

NM_000256.3(MYBPC3):c.1091-18_1091-8del

Gene: MYBPC3 (myosin binding protein C3; minus strand). Cytogenetic location: 11p11.2.
Variant type: Deletion.
Coding change: c.1091-18_1091-8del on transcript NM_000256.3 (MANE Select); 18 bases into the intron before coding-DNA position 1091 through 8 bases into the intron before coding-DNA position 1091, 11 bases deleted (CTGAGGGGTGG).
Genome position (GRCh38, 1-based): chr11:47,343,632-47,343,642, CCACCCCTCAG deleted on the plus strand (CTGAGGGGTGG on the coding strand, the reverse complement: MYBPC3 is on the minus strand); deleting any 11 consecutive bases within chr11:47,343,632-47,343,644 gives the same sequence; the c. name uses the placement nearest the transcript's 3' end. VCF-style (leftmost placement, unchanged base first): chr11-47343631-ACCACCCCTCAG-A. GRCh37 (hg19) VCF-style: chr11-47365182-ACCACCCCTCAG-A.
Identifiers: ClinVar variation 42504 (VCV000042504.4), dbSNP rs397515886, ClinGen allele CA131355.